The following is an entry in ClinVar:

NM_152383.5(DIS3L2):c.964A>G (p.Ser322Gly)

Gene: DIS3L2 (DIS3 like 3'-5' exoribonuclease 2; plus strand). Cytogenetic location: 2q37.1.
Variant type: single nucleotide variant.
Coding change: c.964A>G on transcript NM_152383.5 (MANE Select); coding-DNA position 964, A replaced by G.
Protein change: p.Ser322Gly; replaces serine 322 with glycine.
Molecular consequence: missense variant. On other transcripts: non-coding transcript variant (2).
Genome position (GRCh38, 1-based): chr2:232,163,472, A>G. VCF-style: chr2-232163472-A-G. GRCh37 (hg19) VCF-style: chr2-233028182-A-G.
Other names: c.964A>G, p.Ser322Gly (NM_001257281.2); short protein forms S322G.
Identifiers: ClinVar variation 568357 (VCV000568357.9), dbSNP rs752637406, ClinGen allele CA67514541.

ClinVar aggregate classification (germline): Uncertain significance (1 of 4 stars; one submission).

Conditions:
Perlman syndrome (PRLMNS). Identifiers: Orphanet 2849, MedGen C0796113, MONDO:0009965, OMIM 267000.

Allele frequency attached by ClinVar (database versions not stated): gnomAD 0.00001; TOPMed 0.00001; gnomAD exomes 0.00002 and 0.00005.
gnomAD v4.1: 68 of 1,613,812 alleles (0.0042%); highest among the groups gnomAD compares: Non-Finnish European, 0.0056%; no homozygotes.

Submission:

Labcorp Genetics (formerly Invitae), Labcorp
Classification: Uncertain significance for Perlman syndrome. Last evaluated: 2025-07-07. Review status: criteria provided, single submitter. Criteria: Invitae Variant Classification Sherloc (09022015). Collection method: clinical testing. Allele origin: germline.
Comment: This sequence change replaces serine, which is neutral and polar, with glycine, which is neutral and non-polar, at codon 322 of the DIS3L2 protein (p.Ser322Gly). This variant is present in population databases (rs752637406, gnomAD 0.004%). This variant has not been reported in the literature in individuals affected with DIS3L2-related conditions. ClinVar contains an entry for this variant (Variation ID: 568357). Invitae Evidence Modeling of protein sequence and biophysical properties (such as structural, functional, and spatial information, amino acid conservation, physicochemical variation, residue mobility, and thermodynamic stability) has been performed for this missense variant. However, the output from this modeling did not meet the statistical confidence thresholds required to predict the impact of this variant on DIS3L2 protein function. In summary, the available evidence is currently insufficient to determine the role of this variant in disease. Therefore, it has been classified as a Variant of Uncertain Significance.